The following is an entry in ClinVar:

ClinVar aggregate classification (germline): Uncertain significance. Review status: criteria provided, multiple submitters, no conflicts (2 of 4 stars). 2 submissions from 2 submitters: Uncertain significance (2). Last evaluated 2024-12-20.

Conditions:
Dystonia 12 (DYT12). Also called: DYT-ATP1A3; Rapid-Onset Dystonia-Parkinsonism (RDP). Identifiers: Orphanet 71517, MedGen C1868681, MONDO:0007496, OMIM 128235.

Submissions (2):

GeneDx
Classification: Uncertain significance. Last evaluated: 2024-12-20. Review status: criteria provided, single submitter. Criteria: GeneDx Variant Classification Process June 2021. Collection method: clinical testing. Allele origin: germline. Affected: yes.
Comment: Not observed at significant frequency in large population cohorts (gnomAD); In silico analysis supports that this missense variant has a deleterious effect on protein structure/function; Has not been previously published as pathogenic or benign to our knowledge

Labcorp Genetics (formerly Invitae), Labcorp
Classification: Uncertain significance for Dystonia 12. Last evaluated: 2022-04-08. Review status: criteria provided, single submitter. Criteria: Invitae Variant Classification Sherloc (09022015). Collection method: clinical testing. Allele origin: germline.
Comment: This variant has not been reported in the literature in individuals affected with ATP1A3-related conditions. In summary, the available evidence is currently insufficient to determine the role of this variant in disease. Therefore, it has been classified as a Variant of Uncertain Significance. Advanced modeling of protein sequence and biophysical properties (such as structural, functional, and spatial information, amino acid conservation, physicochemical variation, residue mobility, and thermodynamic stability) performed at Invitae indicates that this missense variant is expected to disrupt ATP1A3 protein function. ClinVar contains an entry for this variant (Variation ID: 1060690). This variant is not present in population databases (gnomAD no frequency). This sequence change replaces glycine, which is neutral and non-polar, with serine, which is neutral and polar, at codon 499 of the ATP1A3 protein (p.Gly499Ser).

NM_152296.5(ATP1A3):c.1495G>A (p.Gly499Ser)

Gene: ATP1A3 (ATPase Na+/K+ transporting subunit alpha 3; minus strand). Cytogenetic location: 19q13.2.
Variant type: single nucleotide variant.
Coding change: c.1495G>A on transcript NM_152296.5 (MANE Select); coding-DNA position 1495, G replaced by A.
Protein change: p.Gly499Ser; replaces glycine 499 with serine.
Molecular consequence: missense variant.
Genome position (GRCh38, 1-based): chr19:41,978,741, C>T on the plus strand (G>A on the coding strand, the complement: ATP1A3 is on the minus strand). VCF-style: chr19-41978741-C-T. GRCh37 (hg19) VCF-style: chr19-42482893-C-T.
Other names: c.1528G>A, p.Gly510Ser (NM_001256213.2); c.1534G>A, p.Gly512Ser (NM_001256214.2); c.1495G>A (NM_152296.4); short protein forms G499S, G510S, G512S.
Identifiers: ClinVar variation 1060690 (VCV001060690.10), dbSNP rs2145966073, ClinGen allele CA406047253.
Genomic context (GRCh38, chr19:41,978,741, plus strand): 5'-GCTGCTCCTTGCCCTGTAGCAGGATGGTGGAGCAGCGGTCCAGGATGCGCTCGGGGGCAC[C>T]CTTCATCACCAGCAGGTATCGGTTGTCGTTGGGGTCCTCGGTCTCATGGATGGAGAGCTG-3'
Protein context (NP_689509.1, residues 489-509): NDNRYLLVMK[Gly499Ser]APERILDRCS